The following is an entry in ClinVar:

ClinVar aggregate classification (germline): Pathogenic. Review status: criteria provided, multiple submitters, no conflicts (2 of 4 stars). 12 submissions from 12 submitters: Pathogenic (10). 2 of the submissions do not count toward it. Last evaluated 2025-12-14.

Conditions:
Spastic ataxia. Identifiers: Orphanet 316226, MedGen C1849156, MONDO:0017845, HP:0002497.
Mucopolysaccharidosis, MPS-IV-B (MPS4B). Also called: MORQUIO SYNDROME B; Mucopolysaccharidosis Type IVB (Morquio B Disease); Mucopolysaccharidosis Type IVB; Mucopolysaccharidosis type 4B; Mucopolysaccharidosis type IVB (Morquio); MPS IVB. Identifiers: Orphanet 309310, Orphanet 582, MedGen C0086652, MONDO:0009660, OMIM 253010.
GM1 gangliosidosis type 3. Also called: Beta-galactosidase deficiency; Adult GM1 gangliosidosis; Type 3 (adult) GM1 gangliosidosis; GM1-GANGLIOSIDOSIS, TYPE III; GANGLIOSIDOSIS, GENERALIZED GM1, ADULT TYPE; GANGLIOSIDOSIS, GENERALIZED GM1, CHRONIC TYPE. Identifiers: Orphanet 79257, MedGen C0268273, MONDO:0009262, OMIM 230650.
GM1 gangliosidosis type 2. Also called: Juvenile GM>1< gangliosidosis; GM1-GANGLIOSIDOSIS, TYPE II; GANGLIOSIDOSIS, GENERALIZED GM1, JUVENILE TYPE; GANGLIOSIDOSIS, GENERALIZED GM1, TYPE II; Gangliosidosis, Generalized GM1, Type 2. Identifiers: Orphanet 354, Orphanet 79256, MedGen C0268272, MONDO:0009261, OMIM 230600.
Infantile GM1 gangliosidosis. Also called: GM1-gangliosidosis, type I; Gangliosidosis, generalized GM1, infantile form; GLB1 deficiency; GM1 gangliosidosis type 1; Gangliosidosis, Generalized GM1, Type 1. Identifiers: Orphanet 354, Orphanet 79255, MedGen C0268271, MONDO:0009260, OMIM 230500.
GM1 gangliosidosis. Identifiers: Orphanet 354, MedGen C0085131, MONDO:0018149.
GM1-gangliosidosis, type I, with cardiac involvement. Also called: GANGLIOSIDOSIS, GENERALIZED GM1, TYPE I, WITH CARDIAC INVOLVEMENT. Identifiers: MedGen C1968748.

Allele frequency attached by ClinVar (database versions not stated): gnomAD exomes 0.00001; TOPMed 0.00001; ExAC 0.00002.
gnomAD v4.1: 17 of 1,613,184 alleles (0.0011%); highest among the groups gnomAD compares: Admixed American, 0.0017%; no homozygotes.

Submissions (12):

Labcorp Genetics (formerly Invitae), Labcorp
Classification: Pathogenic for Mucopolysaccharidosis, MPS-IV-B; GM1 gangliosidosis. Last evaluated: 2025-12-14. Review status: criteria provided, single submitter. Criteria: Invitae Variant Classification Sherloc (09022015). Collection method: clinical testing. Allele origin: germline.
Comment: This sequence change creates a premature translational stop signal (p.Arg351*) in the GLB1 gene. It is expected to result in an absent or disrupted protein product. Loss-of-function variants in GLB1 are known to be pathogenic (PMID: 18524657). This variant is present in population databases (rs72555372, gnomAD 0.003%). This premature translational stop signal has been observed in individual(s) with GM1-gangliosidosis (PMID: 10841810, 15714521). ClinVar contains an entry for this variant (Variation ID: 941). For these reasons, this variant has been classified as Pathogenic.

Natera, Inc.
Classification: Pathogenic for Mucopolysaccharidosis, MPS-IV-B. Last evaluated: 2024-12-13. Review status: criteria provided, single submitter. Criteria: Natera Variant Classification Schema (03/2026). Collection method: clinical testing. Allele origin: germline.
Comment: The c.1051C>T variant in GLB1 is a nonsense variant predicted to introduce a stop codon at amino acid 351. This variant is expected to result in nonsense mediated decay, truncation, or a dysfunctional protein product. This variant is rare in the general population with a frequency below the threshold expected for the associated phenotype(s). This variant has been observed in one or more individuals affected with the associated recessive disease, as either homozygous or compound heterozygous with a second variant (PMID: 21497194, 18353697). Given the available evidence, this variant is classified as Pathogenic.

GeneDx
Classification: Pathogenic. Last evaluated: 2024-10-23. Review status: criteria provided, single submitter. Criteria: GeneDx Variant Classification Process June 2021. Collection method: clinical testing. Allele origin: germline. Affected: yes.
Comment: Identified in unrelated individuals with GM1-gangliosidosis in the published literature who were homozygous for this variant or harbored a second variant in GLB1 (PMID: 10841810, 15714521, 33240792); Nonsense variant predicted to result in protein truncation or nonsense mediated decay in a gene for which loss of function is a known mechanism of disease; Not observed at a significant frequency in large population cohorts (gnomAD); This variant is associated with the following publications: (PMID: 21497194, 8922281, 25600812, 31367523, 25525159, 33737400, 15714521, 22784478, 34445196, 33859490, 33240792, 10841810)

Fulgent Genetics
Classification: Pathogenic for Infantile GM1 gangliosidosis; GM1 gangliosidosis type 2; GM1 gangliosidosis type 3; Mucopolysaccharidosis, MPS-IV-B. Last evaluated: 2024-02-12. Review status: criteria provided, single submitter. Criteria: ACMG Guidelines, 2015. Collection method: clinical testing. Allele origin: germline.

Molecular Medicine for Neurodegenerative and Neuromuscular Diseases Unit, IRCCS Fondazione Stella Maris
Classification: Pathogenic for Spastic ataxia. Last evaluated: 2021-01-04. Review status: criteria provided, single submitter. Criteria: ACMG Guidelines, 2015. Collection method: research. Allele origin: unknown. Affected: yes.

Genetics and Genomic Medicine Centre, NeuroGen Healthcare, NeuroGen Healthcare
Classification: Pathogenic for Infantile GM1 gangliosidosis. Last evaluated: 2020-11-10. Review status: criteria provided, single submitter. Criteria: Submitter's publication. Collection method: clinical testing. Allele origin: unknown. Affected: no.

Baylor Genetics
Classification: Pathogenic for Infantile GM1 gangliosidosis. Last evaluated: 2020-10-09. Review status: criteria provided, single submitter. Criteria: ACMG Guidelines, 2015. Collection method: clinical testing. Allele origin: unknown. Affected: yes.
Comment: This variant was determined to be pathogenic according to ACMG Guidelines, 2015 [PMID:25741868].

Genomic Research Center, Shahid Beheshti University of Medical Sciences
Classification: Pathogenic for Mucopolysaccharidosis, MPS-IV-B. Last evaluated: 2020-05-03. Review status: criteria provided, single submitter. Criteria: ACMG Guidelines, 2015. Collection method: clinical testing. Allele origin: unknown. Affected: yes.

Women's Health and Genetics/Laboratory Corporation of America, LabCorp
Classification: Pathogenic for Mucopolysaccharidosis, MPS-IV-B. Last evaluated: 2017-11-16. Review status: criteria provided, single submitter. Criteria: LabCorp Variant Classification Summary - May 2015. Collection method: clinical testing. Allele origin: germline.
Comment: Variant summary: The GLB1 c.1051C>T (p.Arg351X) variant results in a premature termination codon, predicted to cause a truncated or absent GLB1 protein due to nonsense mediated decay, which are commonly known mechanisms for disease. This variant was found in 3/246162 control chromosomes at a frequency of 0.0000122, which does not exceed the estimated maximal expected allele frequency of a pathogenic GLB1 variant (0.0020412). The c.1051C>T has been reported in at least four affected, with residual GLB1 activity in their fibroblasts being less than 2% of normal via publications. In addition, multiple clinical diagnostic laboratories/reputable databases classified this variant as pathogenic. Taken together, this variant is classified as pathogenic.

Juno Genomics, Hangzhou Juno Genomics, Inc
Classification: Pathogenic for Infantile GM1 gangliosidosis; GM1 gangliosidosis type 2; GM1 gangliosidosis type 3; Mucopolysaccharidosis, MPS-IV-B. Review status: criteria provided, single submitter. Criteria: ACMG Guidelines, 2015. Collection method: clinical testing. Allele origin: germline.
Comment: Absent from controls (or at extremely low frequency if recessive) in Genome Aggregation Database.;Null variant in a gene where loss of function (LOF) is a known mechanism of disease.;For recessive disorders, detected in trans with a pathogenic variant.

OMIM
Classification: Pathogenic for GM1-GANGLIOSIDOSIS, TYPE I, WITH CARDIAC INVOLVEMENT. Last evaluated: 2019-05-14. Review status: no assertion criteria provided. Collection method: literature only. Allele origin: germline. Not counted in ClinVar's aggregate classification.

Counsyl
Classification: Pathogenic for Infantile GM1 gangliosidosis; GM1 gangliosidosis type 2; GM1 gangliosidosis type 3; Mucopolysaccharidosis, MPS-IV-B. Last evaluated: 2017-02-14. Review status: no assertion criteria provided. Collection method: clinical testing. Allele origin: unknown. Not counted in ClinVar's aggregate classification.

Literature cited by the submitters: PubMed 18524657 (cited by Labcorp Genetics (formerly Invitae), Labcorp); PubMed 10841810 (cited by Labcorp Genetics (formerly Invitae), Labcorp and Women's Health and Genetics/Laboratory Corporation of America, LabCorp); PubMed 15714521 (cited by Labcorp Genetics (formerly Invitae), Labcorp and Women's Health and Genetics/Laboratory Corporation of America, LabCorp); PubMed 21497194 (cited by 3 submitters); PubMed 18353697 (cited by Natera, Inc.); PubMed 8922281 (cited by OMIM).

NM_000404.4(GLB1):c.1051C>T (p.Arg351Ter)

Gene: GLB1 (galactosidase beta 1; minus strand). Cytogenetic location: 3p22.3.
Variant type: single nucleotide variant.
Coding change: c.1051C>T on transcript NM_000404.4 (MANE Select); coding-DNA position 1051, C replaced by T.
Protein change: p.Arg351Ter; replaces arginine 351 with a stop codon.
Molecular consequence: nonsense.
Genome position (GRCh38, 1-based): chr3:33,046,137, G>A on the plus strand (C>T on the coding strand, the complement: GLB1 is on the minus strand). VCF-style: chr3-33046137-G-A. GRCh37 (hg19) VCF-style: chr3-33087629-G-A.
Other names: c.961C>T, p.Arg321Ter (NM_001079811.3); c.658C>T, p.Arg220Ter (NM_001135602.3); c.1195C>T, p.Arg399Ter (NM_001317040.2); c.1051C>T, p.Arg351Ter (NM_001393580.1); short protein forms R351*, R321*, R399*, R220*.
Identifiers: ClinVar variation 941 (VCV000000941.25), dbSNP rs72555372, ClinGen allele CA114658.